The following is an entry in ClinVar:

ClinVar aggregate classification (germline): Likely pathogenic (1 of 4 stars; one submission).

Conditions:
Methylmalonic acidemia with homocystinuria, type cblJ (MAHCJ). Also called: METHYLMALONIC ACIDURIA AND HOMOCYSTINURIA, cblJ TYPE. Identifiers: Orphanet 369955, MedGen C3553915, MONDO:0013925, OMIM 614857.

Allele frequency attached by ClinVar (database versions not stated): gnomAD exomes below 0.00001; TOPMed 0.00001.

Submission:

Labcorp Genetics (formerly Invitae), Labcorp
Classification: Likely pathogenic for Methylmalonic acidemia with homocystinuria, type cblJ. Last evaluated: 2023-06-29. Review status: criteria provided, single submitter. Criteria: Invitae Variant Classification Sherloc (09022015). Collection method: clinical testing. Allele origin: germline.
Comment: In summary, the currently available evidence indicates that the variant is pathogenic, but additional data are needed to prove that conclusively. Therefore, this variant has been classified as Likely Pathogenic. Algorithms developed to predict the effect of sequence changes on RNA splicing suggest that this variant may disrupt the consensus splice site. This variant has not been reported in the literature in individuals affected with ABCD4-related conditions. This variant is not present in population databases (gnomAD no frequency). This sequence change affects an acceptor splice site in intron 14 of the ABCD4 gene. It is expected to disrupt RNA splicing. Variants that disrupt the donor or acceptor splice site typically lead to a loss of protein function (PMID: 16199547), and loss-of-function variants in ABCD4 are known to be pathogenic (PMID: 22922874).

Literature cited by the submitters: PubMed 16199547; PubMed 22922874.

NM_005050.4(ABCD4):c.1457-1G>C

Gene: ABCD4 (ATP binding cassette subfamily D member 4; minus strand). Cytogenetic location: 14q24.3.
Variant type: single nucleotide variant.
Coding change: c.1457-1G>C on transcript NM_005050.4 (MANE Select); the canonical splice acceptor site of the intron before coding-DNA position 1457, G replaced by C.
Molecular consequence: splice acceptor variant.
Genome position (GRCh38, 1-based): chr14:74,288,766, C>G on the plus strand (G>C on the coding strand, the complement: ABCD4 is on the minus strand). VCF-style: chr14-74288766-C-G. GRCh37 (hg19) VCF-style: chr14-74755469-C-G.
Other names: c.668-1G>C (NM_001353607.2, NM_001353604.2, NM_001353603.2 and 6 more transcripts); c.980-1G>C (NM_001353598.2, NM_001353601.2, NM_001353600.2 and 2 more transcripts); c.1145-1G>C (NM_001353594.2); c.1196-1G>C (NM_001353593.2); c.992-1G>C (NM_001353597.2); c.1043-1G>C (NM_001353596.2, NM_001353595.2); c.1331-1G>C (NM_001353591.2, NM_001353592.2); c.1457-1G>C (NM_020325.3).
Identifiers: ClinVar variation 2720728 (VCV002720728.3), dbSNP rs1408519111, ClinGen allele CA390379493.